The following is an entry in ClinVar:

ClinVar aggregate classification (germline): Pathogenic (1 of 4 stars; one submission).

Submission:

Labcorp Genetics (formerly Invitae), Labcorp
Classification: Pathogenic. Last evaluated: 2023-05-01. Review status: criteria provided, single submitter. Criteria: Invitae Variant Classification Sherloc (09022015). Collection method: clinical testing. Allele origin: germline.
Comment: For these reasons, this variant has been classified as Pathogenic. This variant has not been reported in the literature in individuals affected with AAAS-related conditions. This variant is not present in population databases (gnomAD no frequency). This sequence change creates a premature translational stop signal (p.Ile386Argfs*29) in the AAAS gene. It is expected to result in an absent or disrupted protein product. Loss-of-function variants in AAAS are known to be pathogenic (PMID: 11159947).

Literature cited by the submitters: PubMed 11159947.

NM_015665.6(AAAS):c.1157_1160del (p.Ile386fs)

Gene: AAAS (aladin WD repeat nucleoporin; minus strand). Cytogenetic location: 12q13.13.
Variant type: Deletion.
Coding change: c.1157_1160del on transcript NM_015665.6 (MANE Select); coding-DNA positions 1157 to 1160, 4 bases deleted (TACA; older notation c.1157_1160delTACA).
Protein change: p.Ile386fs; shifts the reading frame from isoleucine 386.
Molecular consequence: frameshift variant.
Genome position (GRCh38, 1-based): chr12:53,308,456-53,308,459, TGTA deleted on the plus strand (TACA on the coding strand, the reverse complement: AAAS is on the minus strand); deleting any 4 consecutive bases within chr12:53,308,456-53,308,460 gives the same sequence; the c. name uses the placement nearest the transcript's 3' end. VCF-style (leftmost placement, unchanged base first): chr12-53308455-CTGTA-C. GRCh37 (hg19) VCF-style: chr12-53702239-CTGTA-C.
Other names: c.1058_1061del, p.Ile353fs (NM_001173466.2); short protein forms I386fs, I353fs.
Identifiers: ClinVar variation 2861197 (VCV002861197.3), dbSNP rs2498606038, ClinGen allele CA2739272058.